The following is an entry in ClinVar:

ClinVar aggregate classification (germline): Pathogenic/Likely pathogenic. Review status: criteria provided, multiple submitters, no conflicts (2 of 4 stars). 3 submissions from 3 submitters: Pathogenic (1); Likely pathogenic (1). 1 of the submissions does not count toward it. Last evaluated 2026-02-27.

Conditions:
Immunodeficiency 23 (IMD23). Also called: IMMUNODEFICIENCY WITH HYPER IgE AND COGNITIVE IMPAIRMENT; IMMUNODEFICIENCY-VASCULITIS-MYOCLONUS SYNDROME. Identifiers: Orphanet 443811, MedGen C4014371, MONDO:0014353, OMIM 615816.
Hyper-IgE syndrome. Also called: Hyper-IgE recurrent infection syndrome. Identifiers: Orphanet 331223, MedGen C3887645, MONDO:0018037.

Submissions (3):

GeneDx
Classification: Pathogenic. Last evaluated: 2026-02-27. Review status: criteria provided, single submitter. Criteria: GeneDx Variant Classification Process June 2021. Collection method: clinical testing. Allele origin: germline.
Comment: In-frame deletion of 1 amino acid(s) in a non-repeat region; In silico analysis supports a deleterious effect on protein structure/function; Not observed at significant frequency in large population cohorts (gnomAD); Also known as Glu340del; This variant is associated with the following publications: (PMID: 24698316, 28704707, 39776909)

3billion
Classification: Likely pathogenic for Immunodeficiency 23. Last evaluated: 2024-11-22. Review status: criteria provided, single submitter. Criteria: ACMG Guidelines, 2015. Collection method: clinical testing. Allele origin: germline. Affected: yes.
Comment: The variant is observed at an extremely low frequency in the gnomAD v4.1.0 dataset (total allele frequency: <0.001%). Predicted Consequence/Location: Inframe deletion located in a nonrepeat region: predicted to change the length of the protein and disrupt normal protein function. The variant has been reported to co-segregate with the disease in at least one similarly affected relative/individual in the same family or similarly affected unrelated family (PMID: 24698316). The variant has been reported to be associated with PGM3 related disorder (ClinVar ID: VCV000156471 /PMID: 24698316). Therefore, this variant is classified as Likely pathogenic according to the recommendation of ACMG/AMP guideline.

Centre of Chronic Immunodeficiency, Freiburg University
Classification: Pathogenic. Review status: no assertion criteria provided. Collection method: not provided. Allele origin: germline. Not counted in ClinVar's aggregate classification.
Comment: Hypomorphic mutation;when homozygous causes AR-HIES
ClinVar note: Converted during submission from pathogenic to Pathogenic.

Literature cited by the submitters: PubMed 24698316 (cited by 3billion).

NM_015599.3(PGM3):c.1016AAG[1] (p.Glu340del)

Gene: PGM3 (phosphoglucomutase 3; minus strand). Cytogenetic location: 6q14.1.
Variant type: Microsatellite.
Coding change: c.1016AAG[1] on transcript NM_015599.3 (MANE Select); one copy of the 3-base unit AAG starting at c.1016; the reference has two copies in a row; one copy, 3 bases deleted; also written c.1019_1021del.
Protein change: p.Glu340del; deletes glutamic acid 340.
Molecular consequence: inframe deletion. On other transcripts: non-coding transcript variant (1).
Genome position (GRCh38, 1-based): chr6:83,178,681-83,178,683, CTT deleted on the plus strand (AAG on the coding strand, the reverse complement: PGM3 is on the minus strand); deleting any 3 consecutive bases within chr6:83,178,681-83,178,687 gives the same sequence; the position shown is the placement nearest the transcript's 3' end. VCF-style (leftmost placement, unchanged base first): chr6-83178680-ACTT-A. GRCh37 (hg19) VCF-style: chr6-83888399-ACTT-A.
Other names: c.1019_1021del (NM_015599.3); c.1103_1105del (NM_001199917.1); c.1100AAG[1], p.Glu368del (NM_001199917.2, NM_001367287.1); c.773AAG[1], p.Glu259del (NM_001199918.2); c.1016AAG[1], p.Glu340del (NM_001199919.2, NM_001367286.1); short protein forms E340del, E368del, E259del.
Identifiers: ClinVar variation 156471 (VCV000156471.5), dbSNP rs267608259, ClinGen allele CA170905.